The following is an entry in ClinVar:

NM_001023.4(RPS20):c.27A>G (p.Thr9=)

Gene: RPS20 (ribosomal protein S20; minus strand). Cytogenetic location: 8q12.1.
Variant type: single nucleotide variant.
Coding change: c.27A>G on transcript NM_001023.4 (MANE Select); coding-DNA position 27, A replaced by G.
Protein change: p.Thr9=; no amino-acid change (threonine 9 retained).
Molecular consequence: synonymous variant.
Genome position (GRCh38, 1-based): chr8:56,074,136, T>C on the plus strand (A>G on the coding strand, the complement: RPS20 is on the minus strand). VCF-style: chr8-56074136-T-C. GRCh37 (hg19) VCF-style: chr8-56986695-T-C.
Other names: c.27A>G, p.Thr9= (NM_001146227.3).
Identifiers: ClinVar variation 1796159 (VCV001796159.3), dbSNP rs1376308061, ClinGen allele CA461101675.

ClinVar aggregate classification (germline): Benign/Likely benign. Review status: criteria provided, multiple submitters, no conflicts (2 of 4 stars). 2 submissions from 2 submitters: Benign (1); Likely benign (1). Last evaluated 2026-08-03.

Conditions:
Familial colorectal cancer type X. Identifiers: Orphanet 440437, MedGen C3896578, MONDO:0018604.

Submissions (2):

Myriad Genetics, Inc.
Classification: Benign for Familial colorectal cancer type X. Last evaluated: 2026-08-03. Review status: criteria provided, single submitter. Criteria: Myriad Autosomal Dominant, Autosomal Recessive and X-Linked Classification Criteria (2023). Collection method: clinical testing. Allele origin: unknown.
Comment: This variant is considered benign. This variant is a silent/synonymous amino acid change and it is not expected to impact splicing.

Ambry Genetics
Classification: Likely benign. Last evaluated: 2020-02-06. Review status: criteria provided, single submitter. Criteria: Ambry Variant Classification Scheme 2023. Collection method: clinical testing. Allele origin: germline.